The following is an entry in ClinVar:

NM_000090.4(COL3A1):c.120G>A (p.Ala40=)

Gene: COL3A1 (collagen type III alpha 1 chain; plus strand). Cytogenetic location: 2q32.2.
Variant type: single nucleotide variant.
Coding change: c.120G>A on transcript NM_000090.4 (MANE Select); coding-DNA position 120, G replaced by A.
Protein change: p.Ala40=; no amino-acid change (alanine 40 retained).
Molecular consequence: synonymous variant.
Genome position (GRCh38, 1-based): chr2:188,984,800, G>A. VCF-style: chr2-188984800-G-A. GRCh37 (hg19) VCF-style: chr2-189849526-G-A.
Identifiers: ClinVar variation 628509 (VCV000628509.21), dbSNP rs138115610, ClinGen allele CA073995.

ClinVar aggregate classification (germline): Likely benign. Review status: criteria provided, multiple submitters, no conflicts (2 of 4 stars). 6 submissions from 6 submitters: Likely benign (6). Last evaluated 2025-09-26.

Conditions:
Familial thoracic aortic aneurysm and aortic dissection (TAAD). Also called: Thoracic aortic aneurysms and dissections. Identifiers: Orphanet 91387, MedGen C4707243, MONDO:0019625.
Ehlers-Danlos syndrome, type 4 (EDSVASC). Also called: Ehlers-Danlos syndrome vascular type; Ehlers Danlos syndrome, ecchymotic type; Ehlers Danlos syndrome, arterial type; Ehlers Danlos syndrome, Sack-Barabas type; Ehlers-Danlos Syndrome Type IV. Identifiers: Orphanet 286, MedGen C0268338, MONDO:0017314, OMIM 130050.

Allele frequency attached by ClinVar (database versions not stated): gnomAD exomes 0.00002 and 0.00005; ExAC 0.00005; gnomAD 0.00009 and 0.00010; TOPMed 0.00011; ESP Exome Variant Server 0.00015.
gnomAD v4.1: 46 of 1,612,956 alleles (0.0029%); highest among the groups gnomAD compares: African/African-American, 0.039%; no homozygotes.

Submissions (7):

Labcorp Genetics (formerly Invitae), Labcorp
Classification: Likely benign for Ehlers-Danlos syndrome, type 4. Last evaluated: 2025-09-26. Review status: criteria provided, single submitter. Criteria: Invitae Variant Classification Sherloc (09022015). Collection method: clinical testing. Allele origin: germline.

Women's Health and Genetics/Laboratory Corporation of America, LabCorp
Classification: Likely benign. Last evaluated: 2025-05-06. Review status: criteria provided, single submitter. Criteria: LabCorp Variant Classification Summary - May 2015. Collection method: clinical testing. Allele origin: germline.

All of Us Research Program, National Institutes of Health
Classification: Likely benign for Ehlers-Danlos syndrome, type 4. Last evaluated: 2023-12-13. Review status: criteria provided, single submitter. Criteria: ACMG Guidelines, 2015. Collection method: clinical testing. Allele origin: germline. Inheritance: Autosomal dominant inheritance. Observed: 9 variant alleles, 9 heterozygotes.
Comment: This study involves interpretation of variants in research participants for the purpose of population health screening. Participant phenotype was not available at the time of variant classification. Additional details can be found in publication PMID: 35346344, PMCID: PMC8962531

Ambry Genetics
Classification: Likely benign for Familial thoracic aortic aneurysm and aortic dissection. Last evaluated: 2022-05-24. Review status: criteria provided, single submitter. Criteria: Ambry Variant Classification Scheme 2023. Collection method: clinical testing. Allele origin: germline.

GeneDx
Classification: Likely benign. Last evaluated: 2021-05-26. Review status: criteria provided, single submitter. Criteria: GeneDx Variant Classification Process June 2021. Collection method: clinical testing. Allele origin: germline. Affected: yes.

Color Diagnostics, LLC DBA Color Health
Classification: Likely benign for Familial thoracic aortic aneurysm and aortic dissection. Last evaluated: 2018-06-04. Review status: criteria provided, single submitter. Criteria: ACMG Guidelines, 2015. Collection method: clinical testing. Allele origin: germline.

Dr. Peter K. Rogan Lab, Western University
No classification provided (evidence only). Condition: Melanoma. Review status: no classification provided. Collection method: in vitro. Allele origin: not applicable. Functional consequence: retained intron. Not counted in ClinVar's aggregate classification.